The following is an entry in ClinVar:

ClinVar aggregate classification (germline): Uncertain significance (1 of 4 stars; one submission).

Conditions:
Dystonic disorder. Also called: Dystonia. Identifiers: MedGen C0013421, MONDO:0003441, HP:0001332.

Allele frequency attached by ClinVar (database versions not stated): gnomAD exomes 0.00001; ExAC 0.00002.
gnomAD v4.1: 5 of 1,614,170 alleles (0.00031%); highest among the groups gnomAD compares: Admixed American, 0.0067%; no homozygotes.

Submission:

Labcorp Genetics (formerly Invitae), Labcorp
Classification: Uncertain significance for Dystonic disorder. Last evaluated: 2025-06-12. Review status: criteria provided, single submitter. Criteria: Invitae Variant Classification Sherloc (09022015). Collection method: clinical testing. Allele origin: germline.
Comment: This sequence change replaces alanine, which is neutral and non-polar, with threonine, which is neutral and polar, at codon 125 of the SPR protein (p.Ala125Thr). This variant is present in population databases (rs767391520, gnomAD 0.01%). This variant has not been reported in the literature in individuals affected with SPR-related conditions. ClinVar contains an entry for this variant (Variation ID: 2075042). Invitae Evidence Modeling of protein sequence and biophysical properties (such as structural, functional, and spatial information, amino acid conservation, physicochemical variation, residue mobility, and thermodynamic stability) indicates that this missense variant is not expected to disrupt SPR protein function with a negative predictive value of 80%. In summary, the available evidence is currently insufficient to determine the role of this variant in disease. Therefore, it has been classified as a Variant of Uncertain Significance.

NM_003124.5(SPR):c.373G>A (p.Ala125Thr)

Gene: SPR (sepiapterin reductase; plus strand). Cytogenetic location: 2p13.2.
Variant type: single nucleotide variant.
Coding change: c.373G>A on transcript NM_003124.5 (MANE Select); coding-DNA position 373, G replaced by A.
Protein change: p.Ala125Thr; replaces alanine 125 with threonine.
Molecular consequence: missense variant.
Genome position (GRCh38, 1-based): chr2:72,888,382, G>A. VCF-style: chr2-72888382-G-A. GRCh37 (hg19) VCF-style: chr2-73115511-G-A.
Other names: short protein forms A125T.
Identifiers: ClinVar variation 2075042 (VCV002075042.3), dbSNP rs767391520, ClinGen allele CA1708944.